The following is an entry in ClinVar:

NM_001257291.2(SLC9A7):c.390C>T (p.Leu130=)

Gene: SLC9A7 (solute carrier family 9 member A7; minus strand). Cytogenetic location: Xp11.3.
Variant type: single nucleotide variant.
Coding change: c.390C>T on transcript NM_001257291.2 (MANE Select); coding-DNA position 390, C replaced by T.
Protein change: p.Leu130=; no amino-acid change (leucine 130 retained).
Molecular consequence: synonymous variant.
Genome position (GRCh38, 1-based): chrX:46,682,471, G>A on the plus strand (C>T on the coding strand, the complement: SLC9A7 is on the minus strand). VCF-style: chrX-46682471-G-A. GRCh37 (hg19) VCF-style: chrX-46541906-G-A.
Other names: c.390C>T, p.Leu130= (NM_032591.3).
Identifiers: ClinVar variation 3067770 (VCV003067770.21), dbSNP rs1370168684, ClinGen allele CA516252882.

ClinVar aggregate classification (germline): Likely benign (1 of 4 stars; one submission).

Submission:

CeGaT Center for Human Genetics Tuebingen
Classification: Likely benign. Last evaluated: 2024-03-01. Review status: criteria provided, single submitter. Criteria: CeGaT Center For Human Genetics Tuebingen Variant Classification Criteria Version 2. Collection method: clinical testing. Allele origin: germline. Affected: yes. Observed: 1 variant allele.
Comment: SLC9A7: BP4, BP7